The following is an entry in ClinVar:

ClinVar aggregate classification (germline): Uncertain significance (1 of 4 stars; one submission).

gnomAD v4.1: 15 of 1,207,023 alleles (0.0012%); highest among the groups gnomAD compares: African/African-American, 0.018%; no homozygotes.

Submission:

Ambry Genetics
Classification: Uncertain significance. Last evaluated: 2026-04-15. Review status: criteria provided, single submitter. Criteria: Ambry Variant Classification Scheme 2023. Collection method: clinical testing. Allele origin: germline.
Comment: The c.3511A>G (p.I1171V) alteration is located in exon 20 (coding exon 20) of the TENM1 gene. This alteration results from a A to G substitution at nucleotide position 3511, causing the isoleucine (I) at amino acid position 1171 to be replaced by a valine (V). Based on data from gnomAD, the G allele has an overall frequency of 0.001% (1/181685) total alleles studied. The highest observed frequency was 0.008% (1/13061) of African alleles. Based on insufficient or conflicting evidence, the clinical significance of this alteration remains unclear.

NM_001163278.2(TENM1):c.3511A>G (p.Ile1171Val)

Gene: TENM1 (teneurin transmembrane protein 1; minus strand). Cytogenetic location: Xq25.
Variant type: single nucleotide variant.
Coding change: c.3511A>G on transcript NM_001163278.2 (MANE Select); coding-DNA position 3511, A replaced by G.
Protein change: p.Ile1171Val; replaces isoleucine 1171 with valine.
Molecular consequence: missense variant.
Genome position (GRCh38, 1-based): chrX:124,497,200, T>C on the plus strand (A>G on the coding strand, the complement: TENM1 is on the minus strand). VCF-style: chrX-124497200-T-C. GRCh37 (hg19) VCF-style: chrX-123631050-T-C.
Other names: c.3508A>G, p.Ile1170Val (NM_001163279.1); c.3511A>G, p.Ile1171Val (NM_014253.3); short protein forms I1170V, I1171V.
Identifiers: ClinVar variation 4865433 (VCV004865433.1).